The following is an entry in ClinVar:

ClinVar aggregate classification (germline): Uncertain significance (1 of 4 stars; one submission).

Conditions:
MEPE-related disorder. Also called: MEPE-related condition.

gnomAD v4.1: 13 of 1,613,926 alleles (0.00081%); highest among the groups gnomAD compares: African/African-American, 0.015%; no homozygotes.

Submission:

PreventionGenetics, part of Exact Sciences
Classification: Uncertain significance for MEPE-related condition. Last evaluated: 2025-01-28. Review status: criteria provided, single submitter. Criteria: ACMG Guidelines, 2015. Collection method: clinical testing. Allele origin: germline.
Comment: The MEPE c.1075G>C variant is predicted to result in the amino acid substitution p.Asp359His. To our knowledge, this variant has not been reported in the literature. This variant is reported in 0.012% of alleles in individuals of African descent in gnomAD. At this time, the clinical significance of this variant is uncertain due to the absence of conclusive functional and genetic evidence.

NM_020203.6(MEPE):c.982G>C (p.Asp328His)

Genes: MEPE (matrix extracellular phosphoglycoprotein; plus strand), MEPE-AS1 (MEPE and IBSP antisense RNA 1; minus strand). Cytogenetic location: 4q22.1.
Variant type: single nucleotide variant.
Coding change: c.982G>C on transcript NM_020203.6 (MANE Select); coding-DNA position 982, G replaced by C.
Protein change: p.Asp328His; replaces aspartic acid 328 with histidine.
Molecular consequence: missense variant.
Genome position (GRCh38, 1-based): chr4:87,845,850, G>C. VCF-style: chr4-87845850-G-C. GRCh37 (hg19) VCF-style: chr4-88767002-G-C.
Other names: c.982G>C, p.Asp328His (NM_001184694.3); c.643G>C, p.Asp215His (NM_001184695.4, NM_001184696.2, NM_001184697.2); c.1075G>C, p.Asp359His (NM_001291183.2); short protein forms D359H, D215H, D328H.
Identifiers: ClinVar variation 4977109 (VCV004977109.1).
Genomic context (GRCh38, chr4:87,845,850, plus strand): 5'-GAGAGAGAAGAAAATGGTGGAAATACCATTGGAACTAGGGATGAAACTGCGAAAGAGGCA[G>C]ATGCTGTTGATGTCAGCCTTGTAGAGGGCAGCAACGATATCATGGGTAGTACCAATTTTA-3'
Protein context (NP_064588.1, residues 318-338): GTRDETAKEA[Asp328His]AVDVSLVEGS